The following is an entry in ClinVar:

ClinVar aggregate classification (germline): Uncertain significance (1 of 4 stars; one submission).

Conditions:
INF2-related disorder. Also called: INF2-related condition.

Submission:

PreventionGenetics, part of Exact Sciences
Classification: Uncertain significance for INF2-related condition. Last evaluated: 2025-02-21. Review status: criteria provided, single submitter. Criteria: ACMG Guidelines, 2015. Collection method: clinical testing. Allele origin: germline.
Comment: The INF2 c.1157A>G variant is predicted to result in the amino acid substitution p.Gln386Arg. To our knowledge, this variant has not been reported in the literature. This variant is reported in 0.0% of alleles in individuals of African descent in gnomAD. At this time, the clinical significance of this variant is uncertain due to the absence of conclusive functional and genetic evidence.

NM_022489.4(INF2):c.1157A>G (p.Gln386Arg)

Gene: INF2 (inverted formin 2; plus strand). Cytogenetic location: 14q32.33.
Variant type: single nucleotide variant.
Coding change: c.1157A>G on transcript NM_022489.4 (MANE Select); coding-DNA position 1157, A replaced by G.
Protein change: p.Gln386Arg; replaces glutamine 386 with arginine.
Molecular consequence: missense variant. On other transcripts: non-coding transcript variant (1).
Genome position (GRCh38, 1-based): chr14:104,707,424, A>G. VCF-style: chr14-104707424-A-G. GRCh37 (hg19) VCF-style: chr14-105173761-A-G.
Other names: c.1157A>G, p.Gln386Arg (NM_001031714.4, NM_001426862.1, NM_001426863.1 and 2 more transcripts); short protein forms Q386R.
Identifiers: ClinVar variation 5002409 (VCV005002409.1).